The following is an entry in ClinVar:

ClinVar aggregate classification (germline): Likely pathogenic (1 of 4 stars; one submission).

Conditions:
Dilated cardiomyopathy 1G (CMD1G). Identifiers: Orphanet 154, MedGen C1858763, MONDO:0011400, OMIM 604145.
Autosomal recessive limb-girdle muscular dystrophy type 2J (LGMDR10). Also called: Limb-girdle muscular dystrophy, type 2J; MUSCULAR DYSTROPHY, LIMB-GIRDLE, AUTOSOMAL RECESSIVE 10. Identifiers: Orphanet 140922, MedGen C1837342, MONDO:0012127, OMIM 608807.

Submission:

Labcorp Genetics (formerly Invitae), Labcorp
Classification: Likely pathogenic for Dilated cardiomyopathy 1G; Autosomal recessive limb-girdle muscular dystrophy type 2J. Last evaluated: 2024-06-25. Review status: criteria provided, single submitter. Criteria: Invitae Variant Classification Sherloc (09022015). Collection method: clinical testing. Allele origin: germline.
Comment: This sequence change creates a premature translational stop signal (p.Ala11642Leufs*19) in the TTN gene. While this is not anticipated to result in nonsense mediated decay, it is expected to create a truncated TTN protein. This variant is not present in population databases (gnomAD no frequency). This variant has not been reported in the literature in individuals affected with TTN-related conditions. This variant is located in the I band of TTN (PMID: 25589632). Truncating variants in this region have been reported in individuals affected with autosomal recessive centronuclear myopathy (PMID: 23975875, Invitae internal data). Truncating variants in this region have also been identified in individuals affected with autosomal dominant dilated cardiomyopathy and/or cardio-related conditions (PMID: 27869827, 32964742, Invitae internal data). In summary, the currently available evidence indicates that the variant is pathogenic, but additional data are needed to prove that conclusively. Therefore, this variant has been classified as Likely Pathogenic.

Literature cited by the submitters: PubMed 25589632; PubMed 23975875; PubMed 27869827; PubMed 32964742.

NM_001267550.2(TTN):c.34923del (p.Ala11642fs)

Gene: TTN (titin; minus strand). Cytogenetic location: 2q31.2.
Variant type: Deletion.
Coding change: c.34923del on transcript NM_001267550.2 (MANE Select); coding-DNA position 34923, one base deleted (A; older notation c.34923delA).
Protein change: p.Ala11642fs; shifts the reading frame from alanine 11642.
Molecular consequence: frameshift variant. On other transcripts: intron variant (3).
Genome position (GRCh38, 1-based): chr2:178,672,414, T deleted on the plus strand (A on the coding strand, the reverse complement: TTN is on the minus strand). VCF-style (leftmost placement, unchanged base first): chr2-178672413-CT-C. GRCh37 (hg19) VCF-style: chr2-179537140-CT-C.
Other names: c.33801del, p.Ala11268fs (NM_001256850.1); c.31020del, p.Ala10341fs (NM_133378.4); c.13283-30097del (NM_003319.4); c.13859-30097del (NM_133437.4); c.13658-30097del (NM_133432.3); short protein forms A10341fs, A11268fs, A11642fs.
Identifiers: ClinVar variation 3756977 (VCV003756977.2).